The following is an entry in ClinVar:

NM_001940.4(ATN1):c.2707C>A (p.Pro903Thr)

Gene: ATN1 (atrophin 1; plus strand). Cytogenetic location: 12p13.31.
Variant type: single nucleotide variant.
Coding change: c.2707C>A on transcript NM_001940.4 (MANE Select); coding-DNA position 2707, C replaced by A.
Protein change: p.Pro903Thr; replaces proline 903 with threonine.
Molecular consequence: missense variant.
Genome position (GRCh38, 1-based): chr12:6,938,670, C>A. VCF-style: chr12-6938670-C-A. GRCh37 (hg19) VCF-style: chr12-7047833-C-A.
Other names: c.2707C>A, p.Pro903Thr (NM_001007026.2, NM_001424176.1, NM_001424177.1 and 1 more transcripts); c.2704C>A, p.Pro902Thr (NM_001424179.1, NM_001424180.1); short protein forms P902T, P903T.
Identifiers: ClinVar variation 4874518 (VCV004874518.2).

ClinVar aggregate classification (germline): Uncertain significance (1 of 4 stars; one submission).

Submission:

CeGaT Center for Human Genetics Tuebingen
Classification: Uncertain significance. Last evaluated: 2026-05-01. Review status: criteria provided, single submitter. Criteria: CeGaT Center For Human Genetics Tuebingen Variant Classification Criteria Version 2. Collection method: clinical testing. Allele origin: germline. Affected: yes. Observed: 1 variant allele.
Comment: ATN1: PM2